The following is an entry in ClinVar:

NM_014727.3(KMT2B):c.5710C>G (p.Pro1904Ala)

Gene: KMT2B (lysine methyltransferase 2B; plus strand). Cytogenetic location: 19q13.12.
Variant type: single nucleotide variant.
Coding change: c.5710C>G on transcript NM_014727.3 (MANE Select); coding-DNA position 5710, C replaced by G.
Protein change: p.Pro1904Ala; replaces proline 1904 with alanine.
Molecular consequence: missense variant.
Genome position (GRCh38, 1-based): chr19:35,732,259, C>G. VCF-style: chr19-35732259-C-G. GRCh37 (hg19) VCF-style: chr19-36223160-C-G.
Other names: short protein forms P1904A.
Identifiers: ClinVar variation 3115996 (VCV003115996.16), dbSNP rs1402885350, ClinGen allele CA405423422.

ClinVar aggregate classification (germline): Conflicting classifications of pathogenicity. Review status: criteria provided, conflicting classifications (1 of 4 stars). 3 submissions from 3 submitters: Uncertain significance (1); Likely benign (2). Last evaluated 2025-10-27.

Conditions:
Inborn genetic diseases. Identifiers: MedGen C0950123, MeSH D030342.

Allele frequency attached by ClinVar (database versions not stated): TOPMed below 0.00001; gnomAD 0.00001; gnomAD exomes 0.00001.
gnomAD v4.1: 10 of 1,607,024 alleles (0.00062%); highest among the groups gnomAD compares: East Asian, 0.0045%; no homozygotes.

Submissions (3):

Labcorp Genetics (formerly Invitae), Labcorp
Classification: Likely benign. Last evaluated: 2025-10-27. Review status: criteria provided, single submitter. Criteria: Invitae Variant Classification Sherloc (09022015). Collection method: clinical testing. Allele origin: germline.

CeGaT Center for Human Genetics Tuebingen
Classification: Likely benign. Last evaluated: 2025-01-01. Review status: criteria provided, single submitter. Criteria: CeGaT Center For Human Genetics Tuebingen Variant Classification Criteria Version 2. Collection method: clinical testing. Allele origin: germline. Affected: yes. Observed: 1 variant allele.
Comment: KMT2B: BP4

Ambry Genetics
Classification: Uncertain significance for Inborn genetic diseases. Last evaluated: 2023-12-19. Review status: criteria provided, single submitter. Criteria: Ambry Variant Classification Scheme 2023. Collection method: clinical testing. Allele origin: germline.